The following is an entry in ClinVar:

ClinVar aggregate classification (germline): Benign. Review status: reviewed by expert panel (3 of 4 stars). 12 submissions from 12 submitters: Benign (1). 11 of the submissions do not count toward it. Last evaluated 2013-09-05.

Conditions:
Hereditary cancer-predisposing syndrome. Also called: Tumor predisposition; Hereditary Cancer Syndrome; Hereditary neoplastic syndrome; Neoplastic Syndromes, Hereditary. Identifiers: Orphanet 140162, MedGen C0027672, MeSH D009386, MONDO:0015356.
Lynch syndrome. Identifiers: Orphanet 144, MedGen C4552100, MONDO:0005835. Disease mechanism: loss of function.
Lynch syndrome 5 (LYNCH5). Also called: Colorectal cancer, hereditary nonpolyposis, type 5; Hereditary non-polyposis colorectal cancer, type 5. Identifiers: Orphanet 144, MedGen C1833477, MONDO:0013710, OMIM 614350. Disease mechanism: loss of function.

Allele frequency attached by ClinVar (database versions not stated): ESP Exome Variant Server 0.09112; TOPMed 0.12698; gnomAD 0.12899 and 0.13136; gnomAD exomes 0.13896 and 0.17537; ExAC 0.24354; 1000 Genomes Project 30x 0.06839; 1000 Genomes Project 0.06889.

Submissions (12):

International Society for Gastrointestinal Hereditary Tumours (InSiGHT)
Classification: Benign for Lynch Syndrome. Last evaluated: 2013-09-05. Review status: reviewed by expert panel. Criteria: Guidelines v1.9. Collection method: research. Allele origin: germline.
Comment: MAF >1%

Classified with v1.9 guidelines
ClinVar note: Converted during submission from no known pathogenicity to Benign.

GeneKor MSA
Classification: Benign for Hereditary cancer-predisposing syndrome. Last evaluated: 2025-07-10. Review status: criteria provided, single submitter. Criteria: ACMG Guidelines, 2015. Collection method: clinical testing. Allele origin: germline. Not counted in ClinVar's aggregate classification.

Unidad de Genómica Garrahan, Hospital de Pediatría Garrahan
Classification: Benign. Last evaluated: 2024-01-24. Review status: criteria provided, single submitter. Criteria: ACMG Guidelines, 2015. Collection method: clinical testing. Allele origin: germline. Affected: no. Observed: 29 variant alleles. Not counted in ClinVar's aggregate classification.
Comment: This variant is classified as Benign based on local population frequency. This variant was detected in 31% of patients studied by a panel of primary immunodeficiencies. Number of patients: 29. Only high quality variants are reported.

KCCC/NGS Laboratory, Kuwait Cancer Control Center
Classification: Benign for Lynch syndrome 5. Last evaluated: 2023-07-07. Review status: criteria provided, single submitter. Criteria: ACMG Guidelines, 2015. Collection method: clinical testing. Allele origin: germline. Affected: yes. Not counted in ClinVar's aggregate classification.

ARUP Laboratories, Molecular Genetics and Genomics, ARUP Laboratories
Classification: Benign. Last evaluated: 2018-07-02. Review status: criteria provided, single submitter. Criteria: ARUP Molecular Germline Variant Investigation Process. Collection method: clinical testing. Allele origin: germline. Not counted in ClinVar's aggregate classification.

Color Diagnostics, LLC DBA Color Health
Classification: Benign for Hereditary cancer-predisposing syndrome. Last evaluated: 2017-07-12. Review status: criteria provided, single submitter. Criteria: ACMG Guidelines, 2015. Collection method: clinical testing. Allele origin: germline. Not counted in ClinVar's aggregate classification.

GeneDx
Classification: Benign. Last evaluated: 2015-03-03. Review status: criteria provided, single submitter. Criteria: GeneDx Variant Classification Process June 2021. Collection method: clinical testing. Allele origin: germline. Affected: yes. Not counted in ClinVar's aggregate classification.

Breakthrough Genomics
Classification: Benign. Review status: criteria provided, single submitter. Criteria: ACMG Guidelines, 2015. Collection method: not provided. Allele origin: germline. Inheritance: Autosomal recessive inheritance. Affected: yes. Not counted in ClinVar's aggregate classification.

Clinical Genetics DNA and cytogenetics Diagnostics Lab, Erasmus MC, Erasmus Medical Center
Classification: Benign. Review status: no assertion criteria provided. Collection method: clinical testing. Allele origin: germline. Affected: yes. Study: VKGL Data-share Consensus. Not counted in ClinVar's aggregate classification.

Clinical Genetics Laboratory, Department of Pathology, Netherlands Cancer Institute
Classification: Benign. Review status: no assertion criteria provided. Collection method: clinical testing. Allele origin: germline. Affected: yes. Study: VKGL Data-share Consensus. Not counted in ClinVar's aggregate classification.

Department of Pathology and Laboratory Medicine, Sinai Health System
Classification: Uncertain significance. Review status: no assertion criteria provided. Collection method: clinical testing. Allele origin: unknown. Affected: yes. Study: The Canadian Open Genetics Repository (COGR). Not counted in ClinVar's aggregate classification.

Mayo Clinic Laboratories, Mayo Clinic
Classification: Benign. Review status: no assertion criteria provided. Collection method: clinical testing. Allele origin: unknown. Not counted in ClinVar's aggregate classification.

NM_000179.3(MSH6):c.260+22C>G

Genes: MSH6 (mutS homolog 6; plus strand), LOC129933707 (ATAC-STARR-seq lymphoblastoid silent region 11468; plus strand). Cytogenetic location: 2p16.3.
Variant type: single nucleotide variant.
Coding change: c.260+22C>G on transcript NM_000179.3 (MANE Select); 22 bases into the intron after coding-DNA position 260, C replaced by G.
Molecular consequence: intron variant.
Genome position (GRCh38, 1-based): chr2:47,783,515, C>G. VCF-style: chr2-47783515-C-G. GRCh37 (hg19) VCF-style: chr2-48010654-C-G.
Other names: c.-477+22C>G (NM_001281493.2); c.237+45C>G (NM_001281492.2).
Identifiers: ClinVar variation 89295 (VCV000089295.26), dbSNP rs55927047, ClinGen allele CA010530.